The following is an entry in ClinVar:

NM_015166.4(MLC1):c.1059+1G>T

Gene: MLC1 (modulator of VRAC current 1; minus strand). Cytogenetic location: 22q13.33.
Variant type: single nucleotide variant.
Coding change: c.1059+1G>T on transcript NM_015166.4 (MANE Select); the canonical splice donor site of the intron after coding-DNA position 1059, G replaced by T.
Molecular consequence: splice donor variant.
Genome position (GRCh38, 1-based): chr22:50,064,033, C>A on the plus strand (G>T on the coding strand, the complement: MLC1 is on the minus strand). VCF-style: chr22-50064033-C-A. GRCh37 (hg19) VCF-style: chr22-50502462-C-A.
Other names: c.1059+1G>T (NM_001376474.1, NM_001376475.1, NM_001376476.1 and 6 more transcripts); c.822+1G>T (NM_001376484.1); c.969+1G>T (NM_001376480.1); c.903+1G>T (NM_001376482.1, NM_001376483.1); c.957+1G>T (NM_001376481.1); c.1002+1G>T (NM_001376479.1).
Identifiers: ClinVar variation 2676565 (VCV002676565.3), dbSNP rs1555963392, ClinGen allele CA412105408.

ClinVar aggregate classification (germline): Likely pathogenic (1 of 4 stars; one submission).

Conditions:
Megalencephalic leukoencephalopathy with subcortical cysts. Also called: VAN DER KNAAP DISEASE. Identifiers: Orphanet 2478, MedGen C1858854, MONDO:0011391.

Allele frequency attached by ClinVar (database versions not stated): gnomAD exomes below 0.00001.
gnomAD v4.1: 1 of 1,596,130 alleles (0.000063%); highest among the groups gnomAD compares: Non-Finnish European, 0.000085%; no homozygotes.

Submission:

Natera, Inc.
Classification: Likely pathogenic for Megalencephalic leukoencephalopathy with subcortical cysts. Last evaluated: 2025-01-04. Review status: criteria provided, single submitter. Criteria: Natera Variant Classification Schema (03/2026). Collection method: clinical testing. Allele origin: germline.
Comment: The c.1059+1G>T variant in MLC1 is a canonical splice donor site variant predicted to affect pre-mRNA splicing, which may result in an abnormal transcript and altered protein product. This variant is expected to result in nonsense mediated decay, truncation, or a dysfunctional protein product. This variant is rare in the general population with a frequency below the threshold expected for the associated phenotype(s). Given the available evidence, this variant is classified as Likely Pathogenic.